The following is an entry in ClinVar:

NM_000429.3(MAT1A):c.1093G>A (p.Asp365Asn)

Genes: MAT1A (methionine adenosyltransferase 1A; minus strand), LOC126860980 (CDK7 strongly-dependent group 2 enhancer GRCh37_chr10:82032694-82033893; plus strand). Cytogenetic location: 10q22.3.
Variant type: single nucleotide variant.
Coding change: c.1093G>A on transcript NM_000429.3 (MANE Select); coding-DNA position 1093, G replaced by A.
Protein change: p.Asp365Asn; replaces aspartic acid 365 with asparagine.
Molecular consequence: missense variant.
Genome position (GRCh38, 1-based): chr10:80,273,876, C>T on the plus strand (G>A on the coding strand, the complement: MAT1A is on the minus strand). VCF-style: chr10-80273876-C-T. GRCh37 (hg19) VCF-style: chr10-82033632-C-T.
Other names: short protein forms D365N.
Identifiers: ClinVar variation 3766533 (VCV003766533.1).
Genomic context (GRCh38, chr10:80,273,876, plus strand): 5'-ACTCGCTTCTTCCGAAATGGCCGTAGCATGCTGTCTTCTGGTAGATGGGCTTCTTCAAGT[C>T]CAAATCCCTGCATGTCCAGCAGAAAGGAAGGGCATTGGAAGATGGAACAGGAGCAGGGTT-3'
Protein context (NP_000420.1, residues 355-375): LRPGVIVRDL[Asp365Asn]LKKPIYQKTA

ClinVar aggregate classification (germline): Uncertain significance (1 of 4 stars; one submission).

gnomAD v4.1: 5 of 1,606,860 alleles (0.00031%); highest among the groups gnomAD compares: Non-Finnish European, 0.00043%; no homozygotes.

Submission:

ARUP Laboratories, Molecular Genetics and Genomics, ARUP Laboratories
Classification: Uncertain significance. Last evaluated: 2023-12-12. Review status: criteria provided, single submitter. Criteria: ARUP Molecular Germline Variant Investigation Process 2024. Collection method: clinical testing. Allele origin: germline.
Comment: The MAT1A c.1093G>A; p.Asp365Asn variant (rs1377426272), to our knowledge, is not reported in the medical literature or gene specific databases. This variant is only found on one allele in the Genome Aggregation Database (v2.1.1), indicating it is not a common polymorphism. Computational analyses are uncertain whether this variant is neutral or deleterious (REVEL: 0.39). Due to limited information, the clinical significance of this variant is uncertain at this time.